The following is an entry in ClinVar:

NM_001365951.3(KIF1B):c.4732_4735del (p.Glu1578fs)

Gene: KIF1B (kinesin family member 1B; plus strand). Cytogenetic location: 1p36.22.
Variant type: Microsatellite.
Coding change: c.4732_4735del on transcript NM_001365951.3 (MANE Select); coding-DNA positions 4732 to 4735, 4 bases deleted (GAGA; older notation c.4732_4735delGAGA).
Protein change: p.Glu1578fs; shifts the reading frame from glutamic acid 1578.
Molecular consequence: frameshift variant.
Genome position (GRCh38, 1-based): chr1:10,365,628-10,365,631, GAGA deleted; deleting any 4 consecutive bases within chr1:10,365,626-10,365,631 gives the same sequence; the c. name uses the placement nearest the transcript's 3' end. VCF-style (leftmost placement, unchanged base first): chr1-10365625-CGAGA-C. GRCh37 (hg19) VCF-style: chr1-10425683-CGAGA-C.
Other names: c.4732_4735del, p.Glu1578fs (NM_001365952.1); c.4594_4597del, p.Glu1532fs (NM_015074.3); c.4594_4597delGAGA (NM_015074.3); short protein forms E1532fs, E1578fs.
Identifiers: ClinVar variation 1741725 (VCV001741725.2), dbSNP rs2521916219, ClinGen allele CA2580611130.
Genomic context (GRCh38, chr1:10,365,625, plus strand): 5'-GCCATCACACCTAGCGAGAGCAGTGGCTATGATTCAGGAGACATCGAAAGCCTGGTGGAC[CGAGA>C]GAAAGAGCTGGCTACCAAGGTGTGAATCCCTTCCTCTTTGCTGAACGTCTTCCCACAAGG-3'

ClinVar aggregate classification (germline): Uncertain significance (1 of 4 stars; one submission).

Submission:

Ambry Genetics
Classification: Uncertain significance. Last evaluated: 2021-01-22. Review status: criteria provided, single submitter. Criteria: Ambry Variant Classification Scheme 2023. Collection method: clinical testing. Allele origin: germline.
Comment: The c.4594_4597delGAGA variant, located in coding exon 40 of the KIF1B gene, results from a deletion of 4 nucleotides at nucleotide positions 4594 to 4597, causing a translational frameshift with a predicted alternate stop codon (p.E1532Kfs*61). This alteration is expected to result in premature protein truncation or nonsense-mediated mRNA decay. However, the gene-disease association for KIF1B is limited. Since supporting evidence is limited at this time, the clinical significance of this alteration remains unclear.